The following is an entry in ClinVar:

ClinVar aggregate classification (germline): Uncertain significance (1 of 4 stars; one submission).

Conditions:
Early-infantile DEE. Also called: Early infantile epileptic encephalopathy with suppression bursts; Early infantile epileptic encephalopathy; Ohtahara syndrome. Identifiers: Orphanet 1934, MedGen C0393706, MONDO:0800491.

Submission:

Labcorp Genetics (formerly Invitae), Labcorp
Classification: Uncertain significance for Early-infantile DEE. Last evaluated: 2025-12-03. Review status: criteria provided, single submitter. Criteria: Invitae Variant Classification Sherloc (09022015). Collection method: clinical testing. Allele origin: germline.
Comment: This sequence change replaces leucine, which is neutral and non-polar, with methionine, which is neutral and non-polar, at codon 633 of the SCN8A protein (p.Leu633Met). This variant is not present in population databases (gnomAD no frequency). This variant has not been reported in the literature in individuals affected with SCN8A-related conditions. Invitae Evidence Modeling of protein sequence and biophysical properties (such as structural, functional, and spatial information, amino acid conservation, physicochemical variation, residue mobility, and thermodynamic stability) indicates that this missense variant is not expected to disrupt SCN8A protein function with a negative predictive value of 95%. In summary, the available evidence is currently insufficient to determine the role of this variant in disease. Therefore, it has been classified as a Variant of Uncertain Significance.

NM_001330260.2(SCN8A):c.1897C>A (p.Leu633Met)

Gene: SCN8A (sodium voltage-gated channel alpha subunit 8; plus strand). Cytogenetic location: 12q13.13.
Variant type: single nucleotide variant.
Coding change: c.1897C>A on transcript NM_001330260.2 (MANE Select); coding-DNA position 1897, C replaced by A.
Protein change: p.Leu633Met; replaces leucine 633 with methionine.
Molecular consequence: missense variant.
Genome position (GRCh38, 1-based): chr12:51,721,807, C>A. VCF-style: chr12-51721807-C-A. GRCh37 (hg19) VCF-style: chr12-52115591-C-A.
Other names: c.1897C>A, p.Leu633Met (NM_001177984.3, NM_001369788.1, NM_014191.4); short protein forms L633M.
Identifiers: ClinVar variation 4690974 (VCV004690974.1).